The following is an entry in ClinVar:

NM_020458.4(TTC7A):c.164C>T (p.Ala55Val)

Genes: MCFD2 (multiple coagulation factor deficiency 2, ER cargo receptor complex subunit; minus strand), TTC7A (tetratricopeptide repeat domain 7A; plus strand). Cytogenetic location: 2p21.
Variant type: single nucleotide variant.
Coding change: c.164C>T on transcript NM_020458.4 (MANE Select); coding-DNA position 164, C replaced by T.
Protein change: p.Ala55Val; replaces alanine 55 with valine.
Molecular consequence: missense variant. On other transcripts: 5 prime UTR variant (3), intron variant (1).
Genome position (GRCh38, 1-based): chr2:46,941,705, C>T. VCF-style: chr2-46941705-C-T. GRCh37 (hg19) VCF-style: chr2-47168844-C-T.
Other names: c.164C>T, p.Ala55Val (NM_001288951.2); c.-741C>T (NM_001288955.2); c.-140G>A (NM_001171508.2); c.-42G>A (NM_001171511.3); c.83-8658C>T (NM_001288953.2); short protein forms A55V.
Identifiers: ClinVar variation 3233576 (VCV003233576.1), dbSNP rs201688234, ClinGen allele CA1647040.

ClinVar aggregate classification (germline): Uncertain significance (1 of 4 stars; one submission).

Allele frequency attached by ClinVar (database versions not stated): ExAC 0.00008; gnomAD exomes 0.00001.
gnomAD v4.1: 9 of 1,550,690 alleles (0.00058%); highest among the groups gnomAD compares: South Asian, 0.0083%; no homozygotes.

Submission:

Women's Health and Genetics/Laboratory Corporation of America, LabCorp
Classification: Uncertain significance. Last evaluated: 2024-03-08. Review status: criteria provided, single submitter. Criteria: LabCorp Variant Classification Summary - May 2015. Collection method: clinical testing. Allele origin: germline.
Comment: Variant summary: TTC7A c.164C>T (p.Ala55Val) results in a non-conservative amino acid change located in the Tetratricopeptide repeat protein 7, N-terminal domain (IPR045819) of the encoded protein sequence. Four of five in-silico tools predict a benign effect of the variant on protein function. The variant allele was found at a frequency of 2.1e-05 in 142840 control chromosomes (gnomAD). c.164C>T has been reported in the literature in an individual affected with primary antibody deficiency (Abolhassani_2019). These data indicate that the variant may be associated with disease. To our knowledge, no experimental evidence demonstrating an impact on protein function has been reported. The following publications have been ascertained in the context of this evaluation (PMID: 29921932, 36790564). No submitters have cited clinical-significance assessments for this variant to ClinVar. Based on the evidence outlined above, the variant was classified as VUS-possibly pathogenic.

Literature cited by the submitters: PubMed 29921932; PubMed 36790564.